The following is an entry in ClinVar:

ClinVar aggregate classification (germline): Uncertain significance. Review status: criteria provided, multiple submitters, no conflicts (2 of 4 stars). 3 submissions from 3 submitters: Uncertain significance (2). 1 of the submissions does not count toward it. Last evaluated 2024-10-21.

Conditions:
Ornithine aminotransferase deficiency (GACR). Also called: HYPERORNITHINEMIA WITH GYRATE ATROPHY OF CHOROID AND RETINA; Ornithine ketoacid aminotransferase deficiency; Gyrate atrophy; Gyrate atrophy of choroid and retina; Girate atrophy of the retina; OAT DEFICIENCY. Identifiers: Orphanet 414, MedGen C0018425, MONDO:0009796, OMIM 258870.

Allele frequency attached by ClinVar (database versions not stated): ExAC 0.00001; TOPMed 0.00002; gnomAD 0.00002.
gnomAD v4.1: 7 of 1,613,892 alleles (0.00043%); highest among the groups gnomAD compares: African/African-American, 0.0067%; no homozygotes.

Submissions (3):

Labcorp Genetics (formerly Invitae), Labcorp
Classification: Uncertain significance for Ornithine aminotransferase deficiency. Last evaluated: 2024-10-21. Review status: criteria provided, single submitter. Criteria: Invitae Variant Classification Sherloc (09022015). Collection method: clinical testing. Allele origin: germline.
Comment: This sequence change replaces alanine, which is neutral and non-polar, with aspartic acid, which is acidic and polar, at codon 262 of the OAT protein (p.Ala262Asp). This variant is present in population databases (rs772762366, gnomAD 0.008%). This variant has not been reported in the literature in individuals affected with OAT-related conditions. ClinVar contains an entry for this variant (Variation ID: 946101). Invitae Evidence Modeling of protein sequence and biophysical properties (such as structural, functional, and spatial information, amino acid conservation, physicochemical variation, residue mobility, and thermodynamic stability) indicates that this missense variant is not expected to disrupt OAT protein function with a negative predictive value of 80%. In summary, the available evidence is currently insufficient to determine the role of this variant in disease. Therefore, it has been classified as a Variant of Uncertain Significance.

Mayo Clinic Laboratories, Mayo Clinic
Classification: Uncertain significance. Last evaluated: 2021-04-08. Review status: criteria provided, single submitter. Criteria: ACMG Guidelines, 2015. Collection method: clinical testing. Allele origin: germline.

Natera, Inc.
Classification: Uncertain significance for Gyrate atrophy. Last evaluated: 2020-12-10. Review status: no assertion criteria provided. Collection method: clinical testing. Allele origin: germline. Not counted in ClinVar's aggregate classification.

NM_000274.4(OAT):c.785C>A (p.Ala262Asp)

Gene: OAT (ornithine aminotransferase; minus strand). Cytogenetic location: 10q26.13.
Variant type: single nucleotide variant.
Coding change: c.785C>A on transcript NM_000274.4 (MANE Select); coding-DNA position 785, C replaced by A.
Protein change: p.Ala262Asp; replaces alanine 262 with aspartic acid.
Molecular consequence: missense variant.
Genome position (GRCh38, 1-based): chr10:124,403,042, G>T on the plus strand (C>A on the coding strand, the complement: OAT is on the minus strand). VCF-style: chr10-124403042-G-T. GRCh37 (hg19) VCF-style: chr10-126091611-G-T.
Other names: p.Ala262Asp; c.371C>A, p.Ala124Asp (NM_001171814.2); c.785C>A, p.Ala262Asp (NM_001322965.2, NM_001322966.2, NM_001322967.2 and 3 more transcripts); c.464C>A, p.Ala155Asp (NM_001322971.2); c.185C>A, p.Ala62Asp (NM_001322974.2); short protein forms A124D, A262D, A155D, A62D.
Identifiers: ClinVar variation 946101 (VCV000946101.12), dbSNP rs772762366, ClinGen allele CA5733415.
Genomic context (GRCh38, chr10:124,403,042, plus strand): 5'-TTTTCATAATCAACAGCCAGCCATCTACCAGTTCTGGCCAATCCTGTCTGTATTTCATCA[G>T]CAATAAAGAGAACCTATTGGGGAAAAAAAATACCCCTATTAGTGATCACTTTCGTTTCCA-3'
Protein context (NP_000265.1, residues 252-272): LCTRHQVLFI[Ala262Asp]DEIQTGLART